The following is an entry in ClinVar:

ClinVar aggregate classification (germline): Uncertain significance. Review status: criteria provided, multiple submitters, no conflicts (2 of 4 stars). 2 submissions from 2 submitters: Uncertain significance (2). Last evaluated 2026-07-16.

Conditions:
Juvenile polyposis syndrome (JPS). Identifiers: Orphanet 2929, MedGen C0345893, MONDO:0017380, OMIM 174900.
Hereditary cancer-predisposing syndrome. Also called: Hereditary Cancer Syndrome; Tumor predisposition; Neoplastic Syndromes, Hereditary; Hereditary neoplastic syndrome. Identifiers: Orphanet 140162, MedGen C0027672, MeSH D009386, MONDO:0015356.

Allele frequency attached by ClinVar (database versions not stated): gnomAD 0.00001.
gnomAD v4.1: 4 of 1,613,644 alleles (0.00025%); highest among the groups gnomAD compares: African/African-American, 0.0013%; no homozygotes.

Submissions (2):

Ambry Genetics
Classification: Uncertain significance for Hereditary cancer-predisposing syndrome. Last evaluated: 2026-07-16. Review status: criteria provided, single submitter. Criteria: Ambry Variant Classification Scheme 2023. Collection method: clinical testing. Allele origin: germline.
Comment: The p.V262G variant (also known as c.785T>G), located in coding exon 7 of the BMPR1A gene, results from a T to G substitution at nucleotide position 785. The valine at codon 262 is replaced by glycine, an amino acid with dissimilar properties. This amino acid position is conserved. In addition, this alteration is predicted to be deleterious by in silico analysis. Based on the available evidence, the clinical significance of this variant remains unclear.

Labcorp Genetics (formerly Invitae), Labcorp
Classification: Uncertain significance for Juvenile polyposis syndrome. Last evaluated: 2021-10-08. Review status: criteria provided, single submitter. Criteria: Invitae Variant Classification Sherloc (09022015). Collection method: clinical testing. Allele origin: germline.
Comment: This sequence change replaces valine with glycine at codon 262 of the BMPR1A protein (p.Val262Gly). The valine residue is highly conserved and there is a moderate physicochemical difference between valine and glycine. This variant is not present in population databases (ExAC no frequency). This variant has not been reported in the literature in individuals affected with BMPR1A-related conditions. In summary, the available evidence is currently insufficient to determine the role of this variant in disease. Therefore, it has been classified as a Variant of Uncertain Significance. Advanced modeling of protein sequence and biophysical properties (such as structural, functional, and spatial information, amino acid conservation, physicochemical variation, residue mobility, and thermodynamic stability) performed at Invitae indicates that this missense variant is expected to disrupt BMPR1A protein function.

NM_004329.3(BMPR1A):c.785T>G (p.Val262Gly)

Gene: BMPR1A (bone morphogenetic protein receptor type 1A; plus strand). Cytogenetic location: 10q23.2.
Variant type: single nucleotide variant.
Coding change: c.785T>G on transcript NM_004329.3 (MANE Select); coding-DNA position 785, T replaced by G.
Protein change: p.Val262Gly; replaces valine 262 with glycine.
Molecular consequence: missense variant.
Genome position (GRCh38, 1-based): chr10:86,917,243, T>G. VCF-style: chr10-86917243-T-G. GRCh37 (hg19) VCF-style: chr10-88677000-T-G.
Other names: c.785T>G (NM_004329.2); short protein forms V262G.
Identifiers: ClinVar variation 1510261 (VCV001510261.8), dbSNP rs770830310, ClinGen allele CA377458031.